The following is an entry in ClinVar:

ClinVar aggregate classification (germline): Uncertain significance. Review status: criteria provided, multiple submitters, no conflicts (2 of 4 stars). 2 submissions from 2 submitters: Uncertain significance (2). Last evaluated 2024-02-28.

Conditions:
Inborn genetic diseases. Identifiers: MedGen C0950123, MeSH D030342.
Hereditary spastic paraplegia 72 (SPG72A). Also called: Spastic paraplegia 72, autosomal recessive. Identifiers: Orphanet 401849, MedGen C5882669, MONDO:0014282, OMIM 615625.

Allele frequency attached by ClinVar (database versions not stated): gnomAD 0.00001; gnomAD exomes 0.00001; TOPMed 0.00001; ExAC 0.00002.
gnomAD v4.1: 10 of 1,613,340 alleles (0.00062%); highest among the groups gnomAD compares: South Asian, 0.0055%; no homozygotes.

Submissions (2):

Ambry Genetics
Classification: Uncertain significance for Inborn genetic diseases. Last evaluated: 2024-02-28. Review status: criteria provided, single submitter. Criteria: Ambry Variant Classification Scheme 2023. Collection method: clinical testing. Allele origin: germline.

Labcorp Genetics (formerly Invitae), Labcorp
Classification: Uncertain significance for Hereditary spastic paraplegia 72. Last evaluated: 2023-07-16. Review status: criteria provided, single submitter. Criteria: Invitae Variant Classification Sherloc (09022015). Collection method: clinical testing. Allele origin: germline.
Comment: In summary, the available evidence is currently insufficient to determine the role of this variant in disease. Therefore, it has been classified as a Variant of Uncertain Significance. This variant is present in population databases (rs765325391, gnomAD 0.007%). This sequence change replaces arginine, which is basic and polar, with histidine, which is basic and polar, at codon 173 of the REEP2 protein (p.Arg173His). This variant has not been reported in the literature in individuals affected with REEP2-related conditions. Algorithms developed to predict the effect of missense changes on protein structure and function output the following: SIFT: "Not Available"; PolyPhen-2: "Benign"; Align-GVGD: "Not Available". The histidine amino acid residue is found in multiple mammalian species, which suggests that this missense change does not adversely affect protein function.

NM_001271803.2(REEP2):c.518G>A (p.Arg173His)

Gene: REEP2 (receptor accessory protein 2; plus strand). Cytogenetic location: 5q31.2.
Variant type: single nucleotide variant.
Coding change: c.518G>A on transcript NM_001271803.2 (MANE Select); coding-DNA position 518, G replaced by A.
Protein change: p.Arg173His; replaces arginine 173 with histidine.
Molecular consequence: missense variant. On other transcripts: non-coding transcript variant (2).
Genome position (GRCh38, 1-based): chr5:138,445,328, G>A. VCF-style: chr5-138445328-G-A. GRCh37 (hg19) VCF-style: chr5-137781017-G-A.
Other names: c.512G>A (NM_016606.2); c.512G>A, p.Arg171His (NM_016606.4); short protein forms R171H, R173H.
Identifiers: ClinVar variation 2898949 (VCV002898949.4), dbSNP rs765325391, ClinGen allele CA3429843.